The following is an entry in ClinVar:

NM_005732.4(RAD50):c.1736G>A (p.Trp579Ter)

Gene: RAD50 (RAD50 double strand break repair protein; plus strand). Cytogenetic location: 5q31.1.
Variant type: single nucleotide variant.
Coding change: c.1736G>A on transcript NM_005732.4 (MANE Select); coding-DNA position 1736, G replaced by A.
Protein change: p.Trp579Ter; replaces tryptophan 579 with a stop codon.
Molecular consequence: nonsense.
Genome position (GRCh38, 1-based): chr5:132,591,977, G>A. VCF-style: chr5-132591977-G-A. GRCh37 (hg19) VCF-style: chr5-131927669-G-A.
Other names: short protein forms W579*.
Identifiers: ClinVar variation 480439 (VCV000480439.5), dbSNP rs1554098484, ClinGen allele CA360946551.

ClinVar aggregate classification (germline): Pathogenic (1 of 4 stars; one submission).

Conditions:
Hereditary cancer-predisposing syndrome. Also called: Hereditary Cancer Syndrome; Neoplastic Syndromes, Hereditary; Tumor predisposition; Hereditary neoplastic syndrome. Identifiers: Orphanet 140162, MedGen C0027672, MeSH D009386, MONDO:0015356.

Submission:

Ambry Genetics
Classification: Pathogenic for Hereditary cancer-predisposing syndrome. Last evaluated: 2016-06-15. Review status: criteria provided, single submitter. Criteria: Ambry Variant Classification Scheme 2023. Collection method: clinical testing. Allele origin: germline.
Comment: The p.W579* pathogenic mutation (also known as c.1736G>A), located in coding exon 11 of the RAD50 gene, results from a G to A substitution at nucleotide position 1736. This changes the amino acid from a tryptophan to a stop codon within coding exon 11. Since premature stop codons are typically deleterious in nature, this alteration is interpreted as a disease-causing mutation (ACMG Recommendations for Standards for Interpretation and Reporting of Sequence Variations. Revision 2007. Genet Med. 2008;10:294).